The following is an entry in ClinVar:

ClinVar aggregate classification (germline): Uncertain significance (1 of 4 stars; one submission).

Conditions:
Intellectual developmental disorder with autism and macrocephaly. Also called: CHD8-Related Neurodevelopmental Disorder with Overgrowth; Autism, susceptibility to, 18. Identifiers: Orphanet 642675, MedGen C3554373, MONDO:0014017, OMIM 615032.

Submission:

Juno Genomics, Hangzhou Juno Genomics, Inc
Classification: Uncertain significance for Intellectual developmental disorder with autism and macrocephaly. Review status: criteria provided, single submitter. Criteria: ACMG Guidelines, 2015. Collection method: clinical testing. Allele origin: germline.
Comment: Absent from controls (or at extremely low frequency if recessive) in Genome Aggregation Database.;Missense variant in a gene that has a low rate of benign missense variation.;Multiple lines of computational evidence support a deleterious effect on the gene or gene product.

NM_001170629.2(CHD8):c.4448G>T (p.Cys1483Phe)

Gene: CHD8 (chromodomain helicase DNA binding protein 8; minus strand). Cytogenetic location: 14q11.2.
Variant type: single nucleotide variant.
Coding change: c.4448G>T on transcript NM_001170629.2 (MANE Select); coding-DNA position 4448, G replaced by T.
Protein change: p.Cys1483Phe; replaces cysteine 1483 with phenylalanine.
Molecular consequence: missense variant.
Genome position (GRCh38, 1-based): chr14:21,400,535, C>A on the plus strand (G>T on the coding strand, the complement: CHD8 is on the minus strand). VCF-style: chr14-21400535-C-A. GRCh37 (hg19) VCF-style: chr14-21868694-C-A.
Other names: c.3611G>T, p.Cys1204Phe (NM_020920.4); short protein forms C1204F, C1483F.
Identifiers: ClinVar variation 5005297 (VCV005005297.2).
Genomic context (GRCh38, chr14:21,400,535, plus strand): 5'-AAGCCTTTAATATTTTCATCCCCACGGTAGTGTAGAAGACAGTACACGAGAATGGCCCGA[C>A]AAATGGTCTCCACATCTCGTTCAGTCATACGTCGCTTGAAGCGTCCATGAGATAAAATAT-3'
Protein context (NP_001164100.1, residues 1473-1493): RMTERDVETI[Cys1483Phe]RAILVYCLLH